The following is an entry in ClinVar:

ClinVar aggregate classification (germline): Likely benign (0 of 4 stars; one submission).

Conditions:
SIX4-related disorder. Also called: SIX4-related condition.

Allele frequency attached by ClinVar (database versions not stated): 1000 Genomes Project 0.00020; 1000 Genomes Project 30x 0.00031; TOPMed 0.00049; ExAC 0.00068; ESP Exome Variant Server 0.00070; gnomAD 0.00070; gnomAD exomes 0.00122.

Submission:

PreventionGenetics, part of Exact Sciences
Classification: Likely benign for SIX4-related condition. Last evaluated: 2020-05-21. Review status: no assertion criteria provided. Collection method: clinical testing. Allele origin: germline.
Comment: This variant is classified as likely benign based on ACMG/AMP sequence variant interpretation guidelines (Richards et al. 2015 PMID: 25741868, with internal and published modifications).

NM_017420.5(SIX4):c.-4A>G

Gene: SIX4 (SIX homeobox 4; minus strand). Cytogenetic location: 14q23.1.
Variant type: single nucleotide variant.
Coding change: c.-4A>G on transcript NM_017420.5 (MANE Select); 4 bases upstream of the start codon, A replaced by G.
Molecular consequence: 5 prime UTR variant.
Genome position (GRCh38, 1-based): chr14:60,724,078, T>C on the plus strand (A>G on the coding strand, the complement: SIX4 is on the minus strand). VCF-style: chr14-60724078-T-C. GRCh37 (hg19) VCF-style: chr14-61190796-T-C.
Identifiers: ClinVar variation 3040582 (VCV003040582.2), dbSNP rs199992219, ClinGen allele CA7213347.